The following is an entry in ClinVar:

NM_000320.3(QDPR):c.*220T>C

Gene: QDPR (quinoid dihydropteridine reductase; minus strand). Cytogenetic location: 4p15.32.
Variant type: single nucleotide variant.
Coding change: c.*220T>C on transcript NM_000320.3 (MANE Select); 220 bases downstream of the stop codon, T replaced by C.
Molecular consequence: 3 prime UTR variant. On other transcripts: non-coding transcript variant (1).
Genome position (GRCh38, 1-based): chr4:17,486,911, A>G on the plus strand (T>C on the coding strand, the complement: QDPR is on the minus strand). VCF-style: chr4-17486911-A-G. GRCh37 (hg19) VCF-style: chr4-17488534-A-G.
Other names: c.*220T>C (NM_001306140.2).
Identifiers: ClinVar variation 348151 (VCV000348151.9), dbSNP rs1049581, ClinGen allele CA10620522.
Genomic context (GRCh38, chr4:17,486,911, plus strand): 5'-AACATGACACCGCTATAGCAGGTGCTATGCAGAGCCCTCCCTATGCAGTTAACACAGATC[A>G]ACGGATGCTATTTGCAGGCCACCAGTCTCGCATGTCTTTACTTCACATAAATGTATTACA-3'

ClinVar aggregate classification (germline): Benign. Review status: criteria provided, multiple submitters, no conflicts (2 of 4 stars). 3 submissions from 3 submitters: Benign (3). Last evaluated 2018-07-27.

Conditions:
Dihydropteridine reductase deficiency (HPABH4C). Also called: HYPERPHENYLALANINEMIA, TETRAHYDROBIOPTERIN-DEFICIENT, DUE TO DHPR DEFICIENCY; BH4-Deficient Hyperphenylalaninemia C; Hyperphenylalaninemia due to dihydropteridine reductase deficiency; Hyperphenylalaninemia, BH-4-deficient, C; Phenylketonuria type 2; DHPR DEFICIENCY. Identifiers: Orphanet 226, Orphanet 238583, MedGen C0268465, MONDO:0009862, OMIM 261630.

Allele frequency attached by ClinVar (database versions not stated): 1000 Genomes Project 30x 0.64834; 1000 Genomes Project 0.65935; gnomAD exomes 0.68440; TOPMed 0.62941; gnomAD 0.64638 and 0.65051.
gnomAD v4.1: 392,354 of 581,236 alleles (68%); highest among the groups gnomAD compares: East Asian, 79%; 133,810 homozygotes.

Submissions (3):

GeneDx
Classification: Benign. Last evaluated: 2018-07-27. Review status: criteria provided, single submitter. Criteria: GeneDx Variant Classification Process June 2021. Collection method: clinical testing. Allele origin: germline. Affected: yes.

Illumina Laboratory Services, Illumina
Classification: Benign for Dihydropteridine reductase deficiency. Last evaluated: 2018-01-12. Review status: criteria provided, single submitter. Criteria: ICSL Variant Classification Criteria 13 December 2019. Collection method: clinical testing. Allele origin: germline.
Comment: This variant was observed in the ICSL laboratory as part of a predisposition screen in an ostensibly healthy population. It had not been previously curated by ICSL or reported in the Human Gene Mutation Database (HGMD: prior to June 1st, 2018), and was therefore a candidate for classification through an automated scoring system. Utilizing variant allele frequency, disease prevalence and penetrance estimates, and inheritance mode, an automated score was calculated to assess if this variant is too frequent to cause the disease. Based on the score and internal cut-off values, a variant classified as benign is not then subjected to further curation. The score for this variant resulted in a classification of benign for this disease.

Breakthrough Genomics
Classification: Benign. Review status: criteria provided, single submitter. Criteria: ACMG Guidelines, 2015. Collection method: not provided. Allele origin: germline. Inheritance: Autosomal recessive inheritance. Affected: yes.